The following is an entry in ClinVar:

ClinVar aggregate classification (germline): Pathogenic. Review status: criteria provided, single submitter (1 of 4 stars). 2 submissions from 2 submitters: Pathogenic (1). 1 of the submissions does not count toward it. Last evaluated 2024-01-04.

Conditions:
Sjögren-Larsson syndrome (SLS). Also called: FALDH DEFICIENCY; FATTY ALCOHOL:NAD+ OXIDOREDUCTASE DEFICIENCY; FATTY ALDEHYDE DEHYDROGENASE DEFICIENCY; ICHTHYOSIS, SPASTIC NEUROLOGIC DISORDER, AND OLIGOPHRENIA. Identifiers: Orphanet 816, MedGen C0037231, MONDO:0010031, OMIM 270200.

Submissions (2):

Labcorp Genetics (formerly Invitae), Labcorp
Classification: Pathogenic. Last evaluated: 2024-01-04. Review status: criteria provided, single submitter. Criteria: Invitae Variant Classification Sherloc (09022015). Collection method: clinical testing. Allele origin: germline.
Comment: This sequence change affects the initiator methionine of the ALDH3A2 mRNA. The next in-frame methionine is located at codon 33. This variant is not present in population databases (gnomAD no frequency). This variant has not been reported in the literature in individuals affected with ALDH3A2-related conditions. ClinVar contains an entry for this variant (Variation ID: 552722). This variant disrupts a region of the ALDH3A2 protein in which other variant(s) (p.Leu27Pro) have been determined to be pathogenic (PMID: 11408337). This suggests that this is a clinically significant region of the protein, and that variants that disrupt it are likely to be disease-causing. For these reasons, this variant has been classified as Pathogenic.

Counsyl
Classification: Likely pathogenic for Sjögren-Larsson syndrome. Last evaluated: 2017-07-05. Review status: no assertion criteria provided. Collection method: clinical testing. Allele origin: unknown. Not counted in ClinVar's aggregate classification.

Literature cited by the submitters: PubMed 11408337 (cited by Labcorp Genetics (formerly Invitae), Labcorp).

NM_000382.3(ALDH3A2):c.3G>C (p.Met1Ile)

Gene: ALDH3A2 (aldehyde dehydrogenase 3 family member A2; plus strand). Cytogenetic location: 17p11.2.
Variant type: single nucleotide variant.
Coding change: c.3G>C on transcript NM_000382.3 (MANE Select); coding-DNA position 3, G replaced by C.
Protein change: p.Met1Ile; changes the start codon (methionine 1).
Molecular consequence: missense variant, initiator codon variant. On other transcripts: 5 prime UTR variant (1).
Genome position (GRCh38, 1-based): chr17:19,648,974, G>C. VCF-style: chr17-19648974-G-C. GRCh37 (hg19) VCF-style: chr17-19552287-G-C.
Other names: c.3G>C, p.Met1Ile (NM_001369136.1, NM_001369137.2, NM_001369138.2 and 3 more transcripts); c.-686G>C (NM_001369148.2); short protein forms M1I.
Identifiers: ClinVar variation 552722 (VCV000552722.6), dbSNP rs2084774156, ClinGen allele CA398700332.
Genomic context (GRCh38, chr17:19,648,974, plus strand): 5'-TTCCCGCCTCCCACTCCCCAGCGCCCCCGGACCGTGCAGTTCTCTGCAGGACCAGGCCAT[G>C]GAGCTCGAAGTCCGGCGGGTCCGACAGGCGTTCCTGTCCGGCCGGTCGCGACCTCTGCGG-3'
Protein context (NP_000373.1, residues 1-11): [Met1Ile]ELEVRRVRQA